The following is an entry in ClinVar:

NM_005035.4(POLRMT):c.3022C>G (p.Leu1008Val)

Gene: POLRMT (RNA polymerase mitochondrial; minus strand). Cytogenetic location: 19p13.3.
Variant type: single nucleotide variant.
Coding change: c.3022C>G on transcript NM_005035.4 (MANE Select); coding-DNA position 3022, C replaced by G.
Protein change: p.Leu1008Val; replaces leucine 1008 with valine.
Molecular consequence: missense variant. On other transcripts: non-coding transcript variant (1).
Genome position (GRCh38, 1-based): chr19:619,630, G>C on the plus strand (C>G on the coding strand, the complement: POLRMT is on the minus strand). VCF-style: chr19-619630-G-C. GRCh37 (hg19) VCF-style: chr19-619630-G-C.
Other names: c.3022C>G, p.Leu1008Val (NM_001407805.1, NM_001407808.1, NM_001407812.1 and 1 more transcripts); c.3013C>G, p.Leu1005Val (NM_001407806.1, NM_001407809.1); c.3010C>G, p.Leu1004Val (NM_001407807.1, NM_001407810.1); c.2980C>G, p.Leu994Val (NM_001407811.1, NM_001407813.1); c.2944C>G, p.Leu982Val (NM_001407814.1, NM_001407815.1); c.2899C>G, p.Leu967Val (NM_001407829.1); c.2797C>G, p.Leu933Val (NM_001407830.1, NM_001407832.1); c.2698C>G, p.Leu900Val (NM_001407831.1, NM_001407833.1, NM_001407835.1); and 2 more; short protein forms L1004V, L1005V, L1008V, L874V, L897V, L900V, L933V, L967V.
Identifiers: ClinVar variation 4689185 (VCV004689185.1).

ClinVar aggregate classification (germline): Uncertain significance (1 of 4 stars; one submission).

gnomAD v4.1: 3 of 1,610,758 alleles (0.00019%); highest among the groups gnomAD compares: Admixed American, 0.0033%; no homozygotes.

Submission:

Women's Health and Genetics/Laboratory Corporation of America, LabCorp
Classification: Uncertain significance. Last evaluated: 2026-01-21. Review status: criteria provided, single submitter. Criteria: LabCorp Variant Classification Summary - May 2015. Collection method: clinical testing. Allele origin: germline.
Comment: Variant summary: POLRMT c.3022C>G (p.Leu1008Val) results in a conservative amino acid change in the encoded protein sequence. Algorithms developed to predict the effect of missense changes on protein structure and function are either unavailable or do not agree on the potential impact of this missense change. The variant allele was found at a frequency of 4e-06 in 249068 control chromosomes. The available data on variant occurrences in the general population are insufficient to allow any conclusion about variant significance. To our knowledge, no occurrence of c.3022C>G in individuals affected with POLRMT-related conditions and no experimental evidence demonstrating its impact on protein function have been reported. No submitters have cited clinical-significance assessments for this variant to ClinVar. Based on the evidence outlined above, the variant was classified as uncertain significance.